The following is an entry in ClinVar:

ClinVar aggregate classification (germline): Benign/Likely benign. Review status: criteria provided, multiple submitters, no conflicts (2 of 4 stars). 3 submissions from 3 submitters: Benign (1); Likely benign (2). Last evaluated 2025-07-29.

Conditions:
Megalencephaly-polymicrogyria-postaxial polydactyly-hydrocephalus syndrome. Also called: MEG-PMG-MEGACC SYNDROME; MPPH Syndrome. Identifiers: Orphanet 83473, MedGen C1863924, MONDO:0019375.

Allele frequency attached by ClinVar (database versions not stated): ESP Exome Variant Server 0.00015; TOPMed 0.00035; ExAC 0.00039; gnomAD 0.00040 and 0.00041; gnomAD exomes 0.00051.

Submissions (3):

Labcorp Genetics (formerly Invitae), Labcorp
Classification: Likely benign for Megalencephaly-polymicrogyria-postaxial polydactyly-hydrocephalus syndrome. Last evaluated: 2025-07-29. Review status: criteria provided, single submitter. Criteria: Invitae Variant Classification Sherloc (09022015). Collection method: clinical testing. Allele origin: germline.

CeGaT Center for Human Genetics Tuebingen
Classification: Likely benign. Last evaluated: 2022-04-01. Review status: criteria provided, single submitter. Criteria: CeGaT Center For Human Genetics Tuebingen Variant Classification Criteria Version 2. Collection method: clinical testing. Allele origin: germline. Affected: yes. Observed: 1 variant allele.
Comment: PIK3R2: BP4, BP7

Eurofins Ntd Llc (ga)
Classification: Benign. Last evaluated: 2018-04-25. Review status: criteria provided, single submitter. Criteria: EGL ClinVar v180209 classification definitions. Collection method: clinical testing. Allele origin: germline. Observed: 1 variant allele, 1 heterozygote.

NM_005027.4(PIK3R2):c.1023C>T (p.Asn341=)

Gene: PIK3R2 (phosphoinositide-3-kinase regulatory subunit 2; plus strand). Cytogenetic location: 19p13.11.
Variant type: single nucleotide variant.
Coding change: c.1023C>T on transcript NM_005027.4 (MANE Select); coding-DNA position 1023, C replaced by T.
Protein change: p.Asn341=; no amino-acid change (asparagine 341 retained).
Molecular consequence: synonymous variant. On other transcripts: non-coding transcript variant (2).
Genome position (GRCh38, 1-based): chr19:18,162,420, C>T. VCF-style: chr19-18162420-C-T. GRCh37 (hg19) VCF-style: chr19-18273230-C-T.
Other names: c.1023C>T, p.Asn341= (LRG_1392t1).
Identifiers: ClinVar variation 596880 (VCV000596880.36), dbSNP rs201900751, ClinGen allele CA9306904.
Genomic context (GRCh38, chr19:18,162,420, plus strand): 5'-CGGGGTCTCCAGGTGGCTCGGCAGTCCCAATGTTGGATGTTCCCACAGGGAGGAGGTGAA[C>T]GAGAAACTCCGGGACACTCCCGATGGCACCTTCCTAGTCCGAGATGCTTCTAGCAAGATC-3'
Protein context (NP_005018.2, residues 331-351): YWGDISREEV[Asn341=]EKLRDTPDGT